The following is an entry in ClinVar:

NM_001042492.3(NF1):c.5834G>A (p.Cys1945Tyr)

Gene: NF1 (neurofibromin 1; plus strand). Cytogenetic location: 17q11.2.
Variant type: single nucleotide variant.
Coding change: c.5834G>A on transcript NM_001042492.3 (MANE Select); coding-DNA position 5834, G replaced by A.
Protein change: p.Cys1945Tyr; replaces cysteine 1945 with tyrosine.
Molecular consequence: missense variant.
Genome position (GRCh38, 1-based): chr17:31,334,859, G>A. VCF-style: chr17-31334859-G-A. GRCh37 (hg19) VCF-style: chr17-29661877-G-A.
Other names: c.5771G>A, p.Cys1924Tyr (NM_000267.4); short protein forms C1945Y, C1924Y.
Identifiers: ClinVar variation 1749554 (VCV001749554.2), dbSNP rs2508736217, ClinGen allele CA399010597.
Genomic context (GRCh38, chr17:31,334,859, plus strand): 5'-TCATTGACCATCACATGCTAATAGTGTATTTTTTTCCAGGTATTGAATTGAAACACCTTT[G>A]TTTGGAATACATGACTCCATGGCTGTCAAATCTAGTTCGTTTTTGCAAGCATAATGATGA-3'
Protein context (NP_001035957.1, residues 1935-1955): SKSSIELKHL[Cys1945Tyr]LEYMTPWLSN

ClinVar aggregate classification (germline): Uncertain significance (1 of 4 stars; one submission).

Conditions:
Cardiovascular phenotype. Identifiers: MedGen CN230736.
Hereditary cancer-predisposing syndrome. Also called: Hereditary Cancer Syndrome; Hereditary neoplastic syndrome; Neoplastic Syndromes, Hereditary; Tumor predisposition. Identifiers: Orphanet 140162, MedGen C0027672, MeSH D009386, MONDO:0015356.

Submission:

Ambry Genetics
Classification: Uncertain significance for Cardiovascular phenotype; Hereditary cancer-predisposing syndrome. Last evaluated: 2021-08-10. Review status: criteria provided, single submitter. Criteria: Ambry Variant Classification Scheme 2023. Collection method: clinical testing. Allele origin: germline.
Comment: The p.C1924Y variant (also known as c.5771G>A), located in coding exon 39 of the NF1 gene, results from a G to A substitution at nucleotide position 5771. The cysteine at codon 1924 is replaced by tyrosine, an amino acid with highly dissimilar properties. This amino acid position is highly conserved in available vertebrate species. In addition, this alteration is predicted to be deleterious by in silico analysis. Since supporting evidence is limited at this time, the clinical significance of this alteration remains unclear.